The following is an entry in ClinVar:

ClinVar aggregate classification (germline): Uncertain significance (1 of 4 stars; one submission).

Submission:

Labcorp Genetics (formerly Invitae), Labcorp
Classification: Uncertain significance. Last evaluated: 2021-04-11. Review status: criteria provided, single submitter. Criteria: Invitae Variant Classification Sherloc (09022015). Collection method: clinical testing. Allele origin: germline.
Comment: In summary, the available evidence is currently insufficient to determine the role of this variant in disease. Therefore, it has been classified as a Variant of Uncertain Significance. Algorithms developed to predict the effect of missense changes on protein structure and function are either unavailable or do not agree on the potential impact of this missense change (SIFT: "Not Available"; PolyPhen-2: "Probably Damaging"; Align-GVGD: "Not Available"). This variant has not been reported in the literature in individuals with UNC80-related conditions. This variant is not present in population databases (ExAC no frequency). This sequence change replaces aspartic acid with valine at codon 624 of the UNC80 protein (p.Asp624Val). The aspartic acid residue is moderately conserved and there is a large physicochemical difference between aspartic acid and valine.

NM_001371986.1(UNC80):c.1871A>T (p.Asp624Val)

Gene: UNC80 (unc-80 subunit of NALCN channel complex; plus strand). Cytogenetic location: 2q34.
Variant type: single nucleotide variant.
Coding change: c.1871A>T on transcript NM_001371986.1 (MANE Select); coding-DNA position 1871, A replaced by T.
Protein change: p.Asp624Val; replaces aspartic acid 624 with valine.
Molecular consequence: missense variant.
Genome position (GRCh38, 1-based): chr2:209,819,170, A>T. VCF-style: chr2-209819170-A-T. GRCh37 (hg19) VCF-style: chr2-210683894-A-T.
Other names: c.1871A>T, p.Asp624Val (NM_032504.2, NM_182587.4); short protein forms D624V.
Identifiers: ClinVar variation 1410154 (VCV001410154.6), dbSNP rs2153827733, ClinGen allele CA350135855.